The following is an entry in ClinVar:

NM_004595.5(SMS):c.790G>T (p.Ala264Ser)

Gene: SMS (spermine synthase; plus strand). Cytogenetic location: Xp22.11.
Variant type: single nucleotide variant.
Coding change: c.790G>T on transcript NM_004595.5 (MANE Select); coding-DNA position 790, G replaced by T.
Protein change: p.Ala264Ser; replaces alanine 264 with serine.
Molecular consequence: missense variant.
Genome position (GRCh38, 1-based): chrX:21,984,343, G>T. VCF-style: chrX-21984343-G-T. GRCh37 (hg19) VCF-style: chrX-22002461-G-T.
Other names: c.790G>T (NM_004595.2); c.631G>T, p.Ala211Ser (NM_001258423.2); short protein forms A211S, A264S.
Identifiers: ClinVar variation 2812943 (VCV002812943.4), dbSNP rs755650468, ClinGen allele CA10367861.
Genomic context (GRCh38, chrX:21,984,343, plus strand): 5'-TATTCCTGTTCTTTCTGGAAGGTTCTAATAGAAGACTGTATCCCGGTACTGAAGAGGTAC[G>T]CCAAAGAAGGGAGAGAATTTGATTATGTGATTAATGATTTGACAGCTGTTCCAATCTCCA-3'
Protein context (NP_004586.2, residues 254-274): EDCIPVLKRY[Ala264Ser]KEGREFDYVI

ClinVar aggregate classification (germline): Uncertain significance. Review status: criteria provided, multiple submitters, no conflicts (2 of 4 stars). 2 submissions from 2 submitters: Uncertain significance (2). Last evaluated 2024-04-29.

Allele frequency attached by ClinVar (database versions not stated): TOPMed below 0.00001.
gnomAD v4.1: 2 of 1,195,568 alleles (0.00017%); highest among the groups gnomAD compares: Admixed American, 0.0043%; no homozygotes.

Submissions (2):

GeneDx
Classification: Uncertain significance. Last evaluated: 2024-04-29. Review status: criteria provided, single submitter. Criteria: GeneDx Variant Classification Process June 2021. Collection method: clinical testing. Allele origin: germline. Affected: yes.
Comment: In silico analysis indicates that this missense variant does not alter protein structure/function; Has not been previously published as pathogenic or benign to our knowledge

Labcorp Genetics (formerly Invitae), Labcorp
Classification: Uncertain significance. Last evaluated: 2022-12-11. Review status: criteria provided, single submitter. Criteria: Invitae Variant Classification Sherloc (09022015). Collection method: clinical testing. Allele origin: germline.
Comment: Algorithms developed to predict the effect of missense changes on protein structure and function (SIFT, PolyPhen-2, Align-GVGD) all suggest that this variant is likely to be tolerated. In summary, the available evidence is currently insufficient to determine the role of this variant in disease. Therefore, it has been classified as a Variant of Uncertain Significance. This variant has not been reported in the literature in individuals affected with SMS-related conditions. This variant is present in population databases (rs755650468, gnomAD 0.004%). This sequence change replaces alanine, which is neutral and non-polar, with serine, which is neutral and polar, at codon 264 of the SMS protein (p.Ala264Ser).